The following is an entry in ClinVar:

ClinVar aggregate classification (germline): Likely benign. Review status: criteria provided, multiple submitters, no conflicts (2 of 4 stars). 2 submissions from 2 submitters: Likely benign (2). Last evaluated 2026-07-07.

Conditions:
Rhabdoid tumor predisposition syndrome 2 (RTPS2). Identifiers: Orphanet 231108, Orphanet 69077, MedGen C2750074, MONDO:0013224, OMIM 613325.

gnomAD v4.1: 2 of 1,611,538 alleles (0.00012%); highest among the groups gnomAD compares: Non-Finnish European, 0.00017%; no homozygotes.

Submissions (2):

Myriad Genetics, Inc.
Classification: Likely benign for Rhabdoid tumor predisposition syndrome 2. Last evaluated: 2026-07-07. Review status: criteria provided, single submitter. Criteria: Myriad Autosomal Dominant, Autosomal Recessive and X-Linked Classification Criteria (2023). Collection method: clinical testing. Allele origin: unknown.
Comment: This variant is considered likely benign. This variant is intronic and is not expected to impact mRNA splicing.

Labcorp Genetics (formerly Invitae), Labcorp
Classification: Likely benign for Rhabdoid tumor predisposition syndrome 2. Last evaluated: 2025-06-29. Review status: criteria provided, single submitter. Criteria: Invitae Variant Classification Sherloc (09022015). Collection method: clinical testing. Allele origin: germline.

NM_003072.5(SMARCA4):c.1944-19G>A

Gene: SMARCA4 (SWI/SNF related BAF chromatin remodeling complex subunit ATPase 4; plus strand). Cytogenetic location: 19p13.2.
Variant type: single nucleotide variant.
Coding change: c.1944-19G>A on transcript NM_003072.5 (MANE Select); 19 bases into the intron before coding-DNA position 1944, G replaced by A.
Molecular consequence: intron variant.
Genome position (GRCh38, 1-based): chr19:11,003,321, G>A. VCF-style: chr19-11003321-G-A. GRCh37 (hg19) VCF-style: chr19-11113997-G-A.
Other names: c.1944-19G>A (NM_001128844.3, NM_001128849.3, NM_001128847.4 and 5 more transcripts).
Identifiers: ClinVar variation 1576733 (VCV001576733.9), dbSNP rs74942410, ClinGen allele CA783222871.